The following is an entry in ClinVar:

NM_020884.7(MYH7B):c.310C>T (p.Leu104=)

Gene: MYH7B (myosin heavy chain 7B; plus strand). Cytogenetic location: 20q11.22.
Variant type: single nucleotide variant.
Coding change: c.310C>T on transcript NM_020884.7 (MANE Select); coding-DNA position 310, C replaced by T.
Protein change: p.Leu104=; no amino-acid change (leucine 104 retained).
Molecular consequence: synonymous variant.
Genome position (GRCh38, 1-based): chr20:34,979,772, C>T. VCF-style: chr20-34979772-C-T. GRCh37 (hg19) VCF-style: chr20-33567575-C-T.
Identifiers: ClinVar variation 725553 (VCV000725553.33), dbSNP rs181482834, ClinGen allele CA9826386.

ClinVar aggregate classification (germline): Benign/Likely benign. Review status: criteria provided, multiple submitters, no conflicts (2 of 4 stars). 2 submissions from 2 submitters: Benign (1); Likely benign (1). Last evaluated 2026-02-01.

Allele frequency attached by ClinVar (database versions not stated): 1000 Genomes Project 0.00080; 1000 Genomes Project 30x 0.00094; TOPMed 0.00211; gnomAD 0.00214 and 0.00227; gnomAD exomes 0.00214 and 0.00337; ExAC 0.00247; ESP Exome Variant Server 0.00279.
gnomAD v4.1: 5,198 of 1,614,100 alleles (0.32%); highest among the groups gnomAD compares: Non-Finnish European, 0.42%; 13 homozygotes.

Submissions (2):

Labcorp Genetics (formerly Invitae), Labcorp
Classification: Benign. Last evaluated: 2026-02-01. Review status: criteria provided, single submitter. Criteria: Invitae Variant Classification Sherloc (09022015). Collection method: clinical testing. Allele origin: germline.

CeGaT Center for Human Genetics Tuebingen
Classification: Likely benign. Last evaluated: 2022-11-01. Review status: criteria provided, single submitter. Criteria: CeGaT Center For Human Genetics Tuebingen Variant Classification Criteria Version 2. Collection method: clinical testing. Allele origin: germline. Affected: yes. Observed: 3 variant alleles.
Comment: MYH7B: BP4, BP7